The following is an entry in ClinVar:

NM_001003787.4(STRADA):c.791G>C (p.Ser264Thr)

Gene: STRADA (STE20 related adaptor alpha; minus strand). Cytogenetic location: 17q23.3.
Variant type: single nucleotide variant.
Coding change: c.791G>C on transcript NM_001003787.4 (MANE Select); coding-DNA position 791, G replaced by C.
Protein change: p.Ser264Thr; replaces serine 264 with threonine.
Molecular consequence: missense variant. On other transcripts: non-coding transcript variant (1).
Genome position (GRCh38, 1-based): chr17:63,706,702, C>G on the plus strand (G>C on the coding strand, the complement: STRADA is on the minus strand). VCF-style: chr17-63706702-C-G. GRCh37 (hg19) VCF-style: chr17-61784062-C-G.
Other names: c.680G>C, p.Ser227Thr (NM_001003786.3, NM_001363789.1, NM_153335.6); c.617G>C, p.Ser206Thr (NM_001003788.3, NM_001363790.1, NM_001363791.1); c.704G>C, p.Ser235Thr (NM_001165969.2, NM_001363787.1, NM_001411084.1); c.659G>C, p.Ser220Thr (NM_001165970.2); c.767G>C, p.Ser256Thr (NM_001363786.1); c.791G>C, p.Ser264Thr (NM_001363788.1, NM_001411083.1); c.619G>C, p.Val207Leu (NM_001411085.1); short protein forms S206T, S220T, S227T, S235T, S256T, S264T, V207L.
Identifiers: ClinVar variation 1715262 (VCV001715262.3), dbSNP rs1158642819, ClinGen allele CA400590851.

ClinVar aggregate classification (germline): Uncertain significance (1 of 4 stars; one submission).

Conditions:
Polyhydramnios, megalencephaly, and symptomatic epilepsy (PMSE). Also called: PMSE SYNDROME. Identifiers: Orphanet 500533, MedGen C1970203, MONDO:0012611, OMIM 611087.

Submission:

Labcorp Genetics (formerly Invitae), Labcorp
Classification: Uncertain significance for Polyhydramnios, megalencephaly, and symptomatic epilepsy. Last evaluated: 2022-08-06. Review status: criteria provided, single submitter. Criteria: Invitae Variant Classification Sherloc (09022015). Collection method: clinical testing. Allele origin: germline.
Comment: This sequence change replaces serine, which is neutral and polar, with threonine, which is neutral and polar, at codon 264 of the STRADA protein (p.Ser264Thr). This variant is not present in population databases (gnomAD no frequency). This variant has not been reported in the literature in individuals affected with STRADA-related conditions. Algorithms developed to predict the effect of missense changes on protein structure and function are either unavailable or do not agree on the potential impact of this missense change (SIFT: "Tolerated"; PolyPhen-2: "Probably Damaging"; Align-GVGD: "Class C0"). In summary, the available evidence is currently insufficient to determine the role of this variant in disease. Therefore, it has been classified as a Variant of Uncertain Significance.